The following is an entry in ClinVar:

NM_000062.3(SERPING1):c.728T>C (p.Leu243Pro)

Gene: SERPING1 (serpin family G member 1; plus strand). Cytogenetic location: 11q12.1.
Variant type: single nucleotide variant.
Coding change: c.728T>C on transcript NM_000062.3 (MANE Select); coding-DNA position 728, T replaced by C.
Protein change: p.Leu243Pro; replaces leucine 243 with proline.
Molecular consequence: missense variant.
Genome position (GRCh38, 1-based): chr11:57,606,052, T>C. VCF-style: chr11-57606052-T-C. GRCh37 (hg19) VCF-style: chr11-57373525-T-C.
Other names: c.728T>C, p.Leu243Pro (NM_001032295.2); short protein forms L243P.
Identifiers: ClinVar variation 3255464 (VCV003255464.3), dbSNP rs2495440530.

ClinVar aggregate classification (germline): Pathogenic. Review status: criteria provided, multiple submitters, no conflicts (2 of 4 stars). 2 submissions from 2 submitters: Pathogenic (2). Last evaluated 2025-08-06.

Conditions:
Hereditary angioedema type 1 (HAE1). Identifiers: Orphanet 100050, Orphanet 100051, Orphanet 91378, MedGen C2717906, MONDO:0015053, OMIM 106100.

Submissions (2):

Labcorp Genetics (formerly Invitae), Labcorp
Classification: Pathogenic. Last evaluated: 2025-08-06. Review status: criteria provided, single submitter. Criteria: Invitae Variant Classification Sherloc (09022015). Collection method: clinical testing. Allele origin: germline.
Comment: This sequence change replaces leucine, which is neutral and non-polar, with proline, which is neutral and non-polar, at codon 243 of the SERPING1 protein (p.Leu243Pro). This variant is not present in population databases (gnomAD no frequency). This missense change has been observed in individuals with hereditary angioedema (PMID: 18586324, 30556912; internal data). ClinVar contains an entry for this variant (Variation ID: 3255464). Invitae Evidence Modeling of protein sequence and biophysical properties (such as structural, functional, and spatial information, amino acid conservation, physicochemical variation, residue mobility, and thermodynamic stability) indicates that this missense variant is expected to disrupt SERPING1 protein function with a positive predictive value of 95%. For these reasons, this variant has been classified as Pathogenic.

DNA-diagnostics Laboratory, Research Centre For Medical Genetics
Classification: Pathogenic for Hereditary angioedema type 1. Last evaluated: 2024-07-21. Review status: criteria provided, single submitter. Criteria: ACMG Guidelines, 2015. Collection method: research. Allele origin: germline. Inheritance: Autosomal dominant inheritance. Affected: yes. Observed: 4 variant alleles.
Comment: According to our observation and the published information of Pappalardo et al., 2008, Speletas et al., 2015, Pedrosa et al., 2016, Maia et al., 2019, Ponard et all, 2020, the c.728T>C variant in SERPING1 meets ACMG/ClinGen SVI guidance criteria to be classified as pathogenic: PP3_Str, PP4_Str, PM6, PS4_Mod, PP1, PP2, PM2_Sup

Literature cited by the submitters: PubMed 18586324 (cited by Labcorp Genetics (formerly Invitae), Labcorp and DNA-diagnostics Laboratory, Research Centre For Medical Genetics); PubMed 30556912 (cited by Labcorp Genetics (formerly Invitae), Labcorp); DOI 10.1016/j.jaci.2014.08.007 (cited by DNA-diagnostics Laboratory, Research Centre For Medical Genetics); DOI 10.1111/all.13699 (cited by DNA-diagnostics Laboratory, Research Centre For Medical Genetics); DOI 10.1007/s10875-015-0222-9 (cited by DNA-diagnostics Laboratory, Research Centre For Medical Genetics); DOI 10.1002/humu.23917 (cited by DNA-diagnostics Laboratory, Research Centre For Medical Genetics).